The following is an entry in ClinVar:

NM_001378477.3(NYX):c.567C>A (p.Ile189=)

Gene: NYX (nyctalopin; plus strand). Cytogenetic location: Xp11.4.
Variant type: single nucleotide variant.
Coding change: c.567C>A on transcript NM_001378477.3 (MANE Select); coding-DNA position 567, C replaced by A.
Protein change: p.Ile189=; no amino-acid change (isoleucine 189 retained).
Molecular consequence: synonymous variant.
Genome position (GRCh38, 1-based): chrX:41,474,035, C>A. VCF-style: chrX-41474035-C-A. GRCh37 (hg19) VCF-style: chrX-41333288-C-A.
Other names: c.567C>A, p.Ile189= (NM_022567.3).
Identifiers: ClinVar variation 596320 (VCV000596320.41), dbSNP rs746383908, ClinGen allele CA10389837.
Genomic context (GRCh38, chrX:41,474,035, plus strand): 5'-GCCGGGCGCGCTGCGCGGCCTGGCCAACCTGACGCACGCGCACCTGGAGCGCGGCCGCAT[C>A]GAGGCGGTGGCCTCCAGCTCGCTGCAGGGCCTGCGCCGCCTGCGCTCGCTCAGCCTGCAG-3'
Protein context (NP_001365406.2, residues 179-199): LTHAHLERGR[Ile189=]EAVASSSLQG

ClinVar aggregate classification (germline): Conflicting classifications of pathogenicity. Review status: criteria provided, conflicting classifications (1 of 4 stars). 5 submissions from 5 submitters: Uncertain significance (2); Benign (1); Likely benign (2). Last evaluated 2025-11-11.

Conditions:
Congenital stationary night blindness 1A (CSNB1A). Also called: NYX-Related X-Linked Congenital Stationary Night Blindness; MYOPIA-NIGHT BLINDNESS; NIGHT BLINDNESS, CONGENITAL STATIONARY, WITH MYOPIA; Night blindness, congenital stationary (complete), 1A, X-linked; CSNB, COMPLETE, X-LINKED; HEMERALOPIA-MYOPIA. Identifiers: Orphanet 215, MedGen C3495587, MONDO:0010690, OMIM 310500.

Allele frequency attached by ClinVar (database versions not stated): TOPMed 0.00074; gnomAD 0.00076 and 0.00081; ExAC 0.00081; gnomAD exomes 0.00111.

Submissions (5):

Labcorp Genetics (formerly Invitae), Labcorp
Classification: Benign. Last evaluated: 2025-11-11. Review status: criteria provided, single submitter. Criteria: Invitae Variant Classification Sherloc (09022015). Collection method: clinical testing. Allele origin: germline.

Blueprint Genetics
Classification: Likely benign. Last evaluated: 2024-11-22. Review status: criteria provided, single submitter. Criteria: ACMG Guidelines, 2015. Collection method: clinical testing. Allele origin: germline.

CeGaT Center for Human Genetics Tuebingen
Classification: Likely benign. Last evaluated: 2023-04-01. Review status: criteria provided, single submitter. Criteria: CeGaT Center For Human Genetics Tuebingen Variant Classification Criteria Version 2. Collection method: clinical testing. Allele origin: germline. Affected: yes. Observed: 1 variant allele.
Comment: NYX: BP4, BP7, BS2

Eurofins Ntd Llc (ga)
Classification: Uncertain significance. Last evaluated: 2018-02-27. Review status: criteria provided, single submitter. Criteria: EGL ClinVar v180209 classification definitions. Collection method: clinical testing. Allele origin: germline. Observed: 1 variant allele, 1 heterozygote.

Illumina Laboratory Services, Illumina
Classification: Uncertain significance for Congenital stationary night blindness 1A. Last evaluated: 2018-01-13. Review status: criteria provided, single submitter. Criteria: ICSL Variant Classification Criteria 13 December 2019. Collection method: clinical testing. Allele origin: germline.